The following is an entry in ClinVar:

ClinVar aggregate classification (germline): Uncertain significance (1 of 4 stars; one submission).

Conditions:
KANK2-related disorder. Also called: KANK2-related condition.

Allele frequency attached by ClinVar (database versions not stated): TOPMed below 0.00001; gnomAD 0.00001.
gnomAD v4.1: 10 of 1,612,062 alleles (0.00062%); highest among the groups gnomAD compares: Admixed American, 0.0017%; no homozygotes.

Submission:

PreventionGenetics, part of Exact Sciences
Classification: Uncertain significance for KANK2-related condition. Last evaluated: 2023-07-28. Review status: criteria provided, single submitter. Criteria: ACMG Guidelines, 2015. Collection method: clinical testing. Allele origin: germline.
Comment: The KANK2 c.628C>T variant is predicted to result in the amino acid substitution p.Pro210Ser. To our knowledge, this variant has not been reported in the literature. This variant is reported in 0.00093% of alleles in individuals of European (Non-Finnish) descent in gnomAD. At this time, the clinical significance of this variant is uncertain due to the absence of conclusive functional and genetic evidence.

NM_001136191.3(KANK2):c.628C>T (p.Pro210Ser)

Gene: KANK2 (KN motif and ankyrin repeat domains 2; minus strand). Cytogenetic location: 19p13.2.
Variant type: single nucleotide variant.
Coding change: c.628C>T on transcript NM_001136191.3 (MANE Select); coding-DNA position 628, C replaced by T.
Protein change: p.Pro210Ser; replaces proline 210 with serine.
Molecular consequence: missense variant.
Genome position (GRCh38, 1-based): chr19:11,193,452, G>A on the plus strand (C>T on the coding strand, the complement: KANK2 is on the minus strand). VCF-style: chr19-11193452-G-A. GRCh37 (hg19) VCF-style: chr19-11304128-G-A.
Other names: c.628C>T, p.Pro210Ser (NM_001329451.2, NM_001379548.1, NM_001379549.1 and 15 more transcripts); short protein forms P210S.
Identifiers: ClinVar variation 2629359 (VCV002629359.1), dbSNP rs919408946, ClinGen allele CA305358383.
Genomic context (GRCh38, chr19:11,193,452, plus strand): 5'-GTTGTACTGTGAGCTGCCGCTTTTCCTCCTGGAGCACCGAGAGCTTCACCTGGAGCACAG[G>A]GATCAGCTTCACCTGCTCCTCCAGCTGCCGCAGCTTCCGCAGGGCACCCGCCATCTGCTC-3'
Protein context (NP_001129663.1, residues 200-220): RQLEEQVKLI[Pro210Ser]VLQVKLSVLQ